The following is an entry in ClinVar:

ClinVar aggregate classification (germline): Uncertain significance. Review status: criteria provided, multiple submitters, no conflicts (2 of 4 stars). 2 submissions from 2 submitters: Uncertain significance (2). Last evaluated 2024-10-24.

Conditions:
Hereditary cancer-predisposing syndrome. Also called: Tumor predisposition; Neoplastic Syndromes, Hereditary; Hereditary Cancer Syndrome; Hereditary neoplastic syndrome. Identifiers: Orphanet 140162, MedGen C0027672, MeSH D009386, MONDO:0015356.
Multiple endocrine neoplasia, type 2 (MEN2). Identifiers: Orphanet 653, MedGen C4048306, MONDO:0019003. Disease mechanism: gain of function.

Submissions (2):

Labcorp Genetics (formerly Invitae), Labcorp
Classification: Uncertain significance for Multiple endocrine neoplasia, type 2. Last evaluated: 2024-10-24. Review status: criteria provided, single submitter. Criteria: Invitae Variant Classification Sherloc (09022015). Collection method: clinical testing. Allele origin: germline.
Comment: This sequence change replaces histidine, which is basic and polar, with tyrosine, which is neutral and polar, at codon 482 of the RET protein (p.His482Tyr). This variant is not present in population databases (gnomAD no frequency). This variant has not been reported in the literature in individuals affected with RET-related conditions. ClinVar contains an entry for this variant (Variation ID: 1384063). An algorithm developed to predict the effect of missense changes on protein structure and function (PolyPhen-2) suggests that this variant is likely to be tolerated. In summary, the available evidence is currently insufficient to determine the role of this variant in disease. Therefore, it has been classified as a Variant of Uncertain Significance.

Ambry Genetics
Classification: Uncertain significance for Hereditary cancer-predisposing syndrome. Last evaluated: 2024-03-21. Review status: criteria provided, single submitter. Criteria: Ambry Variant Classification Scheme 2023. Collection method: clinical testing. Allele origin: germline.
Comment: The p.H482Y variant (also known as c.1444C>T), located in coding exon 7 of the RET gene, results from a C to T substitution at nucleotide position 1444. The histidine at codon 482 is replaced by tyrosine, an amino acid with similar properties. This amino acid position is poorly conserved in available vertebrate species. In addition, this alteration is predicted to be tolerated by in silico analysis. Since supporting evidence is limited at this time, the clinical significance of this alteration remains unclear.

NM_020975.6(RET):c.1444C>T (p.His482Tyr)

Gene: RET (ret proto-oncogene; plus strand). Cytogenetic location: 10q11.21.
Variant type: single nucleotide variant.
Coding change: c.1444C>T on transcript NM_020975.6 (MANE Select); coding-DNA position 1444, C replaced by T.
Protein change: p.His482Tyr; replaces histidine 482 with tyrosine.
Molecular consequence: missense variant.
Genome position (GRCh38, 1-based): chr10:43,111,387, C>T. VCF-style: chr10-43111387-C-T. GRCh37 (hg19) VCF-style: chr10-43606835-C-T.
Other names: c.1444C>T, p.His482Tyr (NM_000323.2, NM_001406743.1, NM_001406744.1 and 6 more transcripts); c.682C>T, p.His228Tyr (NM_001355216.2); c.1315C>T, p.His439Tyr (NM_001406761.1, NM_001406762.1, NM_001406764.1 and 1 more transcripts); c.1156C>T, p.His386Tyr (NM_001406766.1, NM_001406767.1, NM_001406770.1); c.1048C>T, p.His350Tyr (NM_001406769.1, NM_001406772.1); c.1006C>T, p.His336Tyr (NM_001406771.1, NM_001406773.1); c.919C>T, p.His307Tyr (NM_001406774.1); c.718C>T, p.His240Tyr (NM_001406775.1, NM_001406776.1, NM_001406777.1 and 1 more transcripts); and 1 more; short protein forms H228Y, H482Y, H240Y, H336Y, H350Y, H307Y, H386Y, H439Y.
Identifiers: ClinVar variation 1384063 (VCV001384063.12), dbSNP rs2132773139, ClinGen allele CA376549655.
Genomic context (GRCh38, chr10:43,111,387, plus strand): 5'-TCGGGGATCCTGTTTGTGAATGACACCAAGGCCCTGCGGCGGCCCAAGTGTGCCGAACTT[C>T]ACTACATGGTGGTGGCCACCGACCAGCAGACCTCTAGGCAGGCCCAGGCCCAGCTGCTTG-3'
Protein context (NP_066124.1, residues 472-492): ALRRPKCAEL[His482Tyr]YMVVATDQQT